The following is an entry in ClinVar:

ClinVar aggregate classification (germline): Uncertain significance (1 of 4 stars; one submission).

Conditions:
TRIM8-related disorder. Also called: TRIM8-related condition.

Submission:

PreventionGenetics, part of Exact Sciences
Classification: Uncertain significance for TRIM8-related condition. Last evaluated: 2023-08-22. Review status: criteria provided, single submitter. Criteria: ACMG Guidelines, 2015. Collection method: clinical testing. Allele origin: germline.
Comment: The TRIM8 c.878C>A variant is predicted to result in the amino acid substitution p.Thr293Lys. To our knowledge, this variant has not been reported in the literature or in a large population database, indicating this variant is rare. At this time, the clinical significance of this variant is uncertain due to the absence of conclusive functional and genetic evidence.

NM_030912.3(TRIM8):c.878C>A (p.Thr293Lys)

Gene: TRIM8 (tripartite motif containing 8; plus strand). Cytogenetic location: 10q24.32.
Variant type: single nucleotide variant.
Coding change: c.878C>A on transcript NM_030912.3 (MANE Select); coding-DNA position 878, C replaced by A.
Protein change: p.Thr293Lys; replaces threonine 293 with lysine.
Molecular consequence: missense variant. On other transcripts: non-coding transcript variant (1).
Genome position (GRCh38, 1-based): chr10:102,655,291, C>A. VCF-style: chr10-102655291-C-A. GRCh37 (hg19) VCF-style: chr10-104415048-C-A.
Other names: c.782C>A, p.Thr261Lys (NM_001345950.1); short protein forms T261K, T293K.
Identifiers: ClinVar variation 2630745 (VCV002630745.1), dbSNP rs753886521, ClinGen allele CA377929808.